The following is an entry in ClinVar:

ClinVar aggregate classification (germline): Uncertain significance (1 of 4 stars; one submission).

Conditions:
Ataxia-telangiectasia syndrome (AT). Also called: Cerebello-oculocutaneous telangiectasia; Immunodeficiency with ataxia telangiectasia; Ataxia-telangiectasia, complementation group E; Ataxia telangiectasia (A-T); LOUIS-BAR SYNDROME; Ataxia-telangiectasia, complementation group D. Identifiers: Orphanet 100, MedGen C0004135, MONDO:0008840, OMIM 208900.

Submission:

Labcorp Genetics (formerly Invitae), Labcorp
Classification: Uncertain significance for Ataxia-telangiectasia syndrome. Last evaluated: 2025-04-01. Review status: criteria provided, single submitter. Criteria: Invitae Variant Classification Sherloc (09022015). Collection method: clinical testing. Allele origin: germline.
Comment: This sequence change falls in intron 31 of the ATM gene. It does not directly change the encoded amino acid sequence of the ATM protein. This variant is not present in population databases (gnomAD no frequency). This variant has not been reported in the literature in individuals affected with ATM-related conditions. Algorithms developed to predict the effect of sequence changes on RNA splicing suggest that this variant may disrupt the consensus splice site. In summary, the available evidence is currently insufficient to determine the role of this variant in disease. Therefore, it has been classified as a Variant of Uncertain Significance.

NM_000051.4(ATM):c.4777-12T>A

Gene: ATM (ATM serine/threonine kinase; plus strand). Cytogenetic location: 11q22.3.
Variant type: single nucleotide variant.
Coding change: c.4777-12T>A on transcript NM_000051.4 (MANE Select); 12 bases into the intron before coding-DNA position 4777, T replaced by A.
Molecular consequence: intron variant.
Genome position (GRCh38, 1-based): chr11:108,294,915, T>A. VCF-style: chr11-108294915-T-A. GRCh37 (hg19) VCF-style: chr11-108165642-T-A.
Other names: c.4777-12T>A (NM_001351834.2).
Identifiers: ClinVar variation 4696819 (VCV004696819.1).